The following is an entry in ClinVar:

ClinVar aggregate classification (germline): Conflicting classifications of pathogenicity. Review status: criteria provided, conflicting classifications (1 of 4 stars). 7 submissions from 7 submitters: Uncertain significance (4); Likely benign (2). 1 of the submissions does not count toward it. Last evaluated 2026-06-01.

Conditions:
Familial thoracic aortic aneurysm and aortic dissection (TAAD). Also called: Thoracic aortic aneurysms and dissections. Identifiers: Orphanet 91387, MedGen C4707243, MONDO:0019625.
SKI-related disorder. Also called: SKI-related condition.
Shprintzen-Goldberg syndrome (SGS). Also called: SHPRINTZEN-GOLDBERG CRANIOSYNOSTOSIS SYNDROME; CRANIOSYNOSTOSIS WITH ARACHNODACTYLY AND ABDOMINAL HERNIAS; Marfanoid disorder with craniosynostosis type 1; Marfanoid craniosynostosis syndrome; Shprintzen-Goldberg marfanoid syndrome. Identifiers: Orphanet 2462, MedGen C1321551, MONDO:0008426, OMIM 182212.

Allele frequency attached by ClinVar (database versions not stated): gnomAD exomes 0.00001 and 0.00010; TOPMed 0.00005; gnomAD 0.00006 and 0.00007; ExAC 0.00008.
gnomAD v4.1: 151 of 1,544,816 alleles (0.0098%); highest among the groups gnomAD compares: Non-Finnish European, 0.012%; no homozygotes.

Submissions (7):

CeGaT Center for Human Genetics Tuebingen
Classification: Likely benign. Last evaluated: 2026-06-01. Review status: criteria provided, single submitter. Criteria: CeGaT Center For Human Genetics Tuebingen Variant Classification Criteria Version 2. Collection method: clinical testing. Allele origin: germline. Affected: yes. Observed: 1 variant allele.
Comment: SKI: PP3, BS1

Labcorp Genetics (formerly Invitae), Labcorp
Classification: Uncertain significance for Shprintzen-Goldberg syndrome. Last evaluated: 2025-12-01. Review status: criteria provided, single submitter. Criteria: Invitae Variant Classification Sherloc (09022015). Collection method: clinical testing. Allele origin: germline.
Comment: This sequence change replaces alanine, which is neutral and non-polar, with threonine, which is neutral and polar, at codon 686 of the SKI protein (p.Ala686Thr). The frequency data for this variant in the population databases is considered unreliable, as metrics indicate poor data quality at this position in the gnomAD database. This variant has not been reported in the literature in individuals affected with SKI-related conditions. ClinVar contains an entry for this variant (Variation ID: 213709). Invitae Evidence Modeling of protein sequence and biophysical properties (such as structural, functional, and spatial information, amino acid conservation, physicochemical variation, residue mobility, and thermodynamic stability) indicates that this missense variant is not expected to disrupt SKI protein function with a negative predictive value of 95%. In summary, the available evidence is currently insufficient to determine the role of this variant in disease. Therefore, it has been classified as a Variant of Uncertain Significance.

GeneDx
Classification: Uncertain significance. Last evaluated: 2025-09-09. Review status: criteria provided, single submitter. Criteria: GeneDx Variant Classification Process June 2021. Collection method: clinical testing. Allele origin: germline. Affected: yes.
Comment: Has not been previously published as pathogenic or benign to our knowledge; In silico analysis suggests that this missense variant does not alter protein structure/function

Ambry Genetics
Classification: Uncertain significance for Familial thoracic aortic aneurysm and aortic dissection. Last evaluated: 2025-03-20. Review status: criteria provided, single submitter. Criteria: Ambry Variant Classification Scheme 2023. Collection method: clinical testing. Allele origin: germline.
Comment: The p.A686T variant (also known as c.2056G>A), located in coding exon 7 of the SKI gene, results from a G to A substitution at nucleotide position 2056. The alanine at codon 686 is replaced by threonine, an amino acid with similar properties. This amino acid position is well conserved in available vertebrate species. In addition, the in silico prediction for this alteration is inconclusive. Since supporting evidence is limited at this time, the clinical significance of this alteration remains unclear.

Blueprint Genetics
Classification: Likely benign. Last evaluated: 2024-11-20. Review status: criteria provided, single submitter. Criteria: ACMG Guidelines, 2015. Collection method: clinical testing. Allele origin: germline.

Fulgent Genetics
Classification: Uncertain significance for Shprintzen-Goldberg syndrome. Last evaluated: 2022-04-06. Review status: criteria provided, single submitter. Criteria: ACMG Guidelines, 2015. Collection method: clinical testing. Allele origin: unknown.

PreventionGenetics, part of Exact Sciences
Classification: Uncertain significance for SKI-related condition. Last evaluated: 2024-06-21. Review status: no assertion criteria provided. Collection method: clinical testing. Allele origin: germline. Not counted in ClinVar's aggregate classification.
Comment: The SKI c.2056G>A variant is predicted to result in the amino acid substitution p.Ala686Thr. To our knowledge, this variant has not been reported in the literature. This variant is reported in 0.0047% of alleles in individuals of European (Non-Finnish) descent in gnomAD. At this time, the clinical significance of this variant is uncertain due to the absence of conclusive functional and genetic evidence.

NM_003036.4(SKI):c.2056G>A (p.Ala686Thr)

Gene: SKI (SKI proto-oncogene; plus strand). Cytogenetic location: 1p36.32.
Variant type: single nucleotide variant.
Coding change: c.2056G>A on transcript NM_003036.4 (MANE Select); coding-DNA position 2056, G replaced by A.
Protein change: p.Ala686Thr; replaces alanine 686 with threonine.
Molecular consequence: missense variant.
Genome position (GRCh38, 1-based): chr1:2,306,634, G>A. VCF-style: chr1-2306634-G-A. GRCh37 (hg19) VCF-style: chr1-2238073-G-A.
Other names: p.A686T:GCC>ACC; short protein forms A686T.
Identifiers: ClinVar variation 213709 (VCV000213709.23), dbSNP rs756553942, ClinGen allele CA320324.